The following is an entry in ClinVar:

ClinVar aggregate classification (germline): Benign/Likely benign. Review status: criteria provided, multiple submitters, no conflicts (2 of 4 stars). 5 submissions from 5 submitters: Benign (4); Likely benign (1). Last evaluated 2024-11-11.

Allele frequency attached by ClinVar (database versions not stated): 1000 Genomes Project 0.00060; 1000 Genomes Project 30x 0.00062; ExAC 0.00165; TOPMed 0.00177; gnomAD 0.00196 and 0.00202; ESP Exome Variant Server 0.00238.
gnomAD v4.1: 5,044 of 1,609,806 alleles (0.31%); highest among the groups gnomAD compares: Non-Finnish European, 0.41%; 5 homozygotes.

Submissions (5):

Blueprint Genetics
Classification: Likely benign. Last evaluated: 2024-11-11. Review status: criteria provided, single submitter. Criteria: ACMG Guidelines, 2015. Collection method: clinical testing. Allele origin: germline.

CeGaT Center for Human Genetics Tuebingen
Classification: Benign. Last evaluated: 2024-05-01. Review status: criteria provided, single submitter. Criteria: CeGaT Center For Human Genetics Tuebingen Variant Classification Criteria Version 2. Collection method: clinical testing. Allele origin: germline. Affected: yes. Observed: 7 variant alleles.
Comment: CTNND2: BP4, BS1, BS2

Labcorp Genetics (formerly Invitae), Labcorp
Classification: Benign. Last evaluated: 2019-12-31. Review status: criteria provided, single submitter. Criteria: Invitae Variant Classification Sherloc (09022015). Collection method: clinical testing. Allele origin: germline.

GeneDx
Classification: Benign. Last evaluated: 2018-11-05. Review status: criteria provided, single submitter. Criteria: GeneDx Variant Classification Process June 2021. Collection method: clinical testing. Allele origin: germline. Affected: yes.

Breakthrough Genomics
Classification: Benign. Review status: criteria provided, single submitter. Criteria: ACMG Guidelines, 2015. Collection method: not provided. Allele origin: germline. Inheritance: Unknown mechanism. Affected: yes.

NM_001332.4(CTNND2):c.2464-5G>A

Gene: CTNND2 (catenin delta 2; minus strand). Cytogenetic location: 5p15.2.
Variant type: single nucleotide variant.
Coding change: c.2464-5G>A on transcript NM_001332.4 (MANE Select); 5 bases into the intron before coding-DNA position 2464, G replaced by A.
Molecular consequence: intron variant.
Genome position (GRCh38, 1-based): chr5:11,098,753, C>T on the plus strand (G>A on the coding strand, the complement: CTNND2 is on the minus strand). VCF-style: chr5-11098753-C-T. GRCh37 (hg19) VCF-style: chr5-11098865-C-T.
Other names: c.1165-5G>A (NM_001288717.2); c.1453-5G>A (NM_001364128.2, NM_001288716.1); c.2191-5G>A (NM_001288715.1).
Identifiers: ClinVar variation 722905 (VCV000722905.33), dbSNP rs61755690, ClinGen allele CA3200579.